The following is an entry in ClinVar:

NM_002103.5(GYS1):c.213G>C (p.Gln71His)

Gene: GYS1 (glycogen synthase 1; minus strand). Cytogenetic location: 19q13.33.
Variant type: single nucleotide variant.
Coding change: c.213G>C on transcript NM_002103.5 (MANE Select); coding-DNA position 213, G replaced by C.
Protein change: p.Gln71His; replaces glutamine 71 with histidine.
Molecular consequence: missense variant.
Genome position (GRCh38, 1-based): chr19:48,991,389, C>G on the plus strand (G>C on the coding strand, the complement: GYS1 is on the minus strand). VCF-style: chr19-48991389-C-G. GRCh37 (hg19) VCF-style: chr19-49494646-C-G.
Other names: c.213G>C, p.Gln71His (NM_001161587.2); short protein forms Q71H.
Identifiers: ClinVar variation 642436 (VCV000642436.9), dbSNP rs200998100, ClinGen allele CA9563419.
Genomic context (GRCh38, chr19:48,991,389, plus strand): 5'-CAGTGTCCTCTTCAGGGCCGGGGTGGGGGCCTCCAGCAGTTCCACCTGGGTCCTCACGCC[C>G]TGCTCCGTGTACGGCCCCACCAGGAAGTAGTTGTCGCCCCATTCGTCCCCTGTCACCTTC-3'
Protein context (NP_002094.2, residues 61-81): NYFLVGPYTE[Gln71His]GVRTQVELLE

ClinVar aggregate classification (germline): Uncertain significance. Review status: criteria provided, multiple submitters, no conflicts (2 of 4 stars). 2 submissions from 2 submitters: Uncertain significance (2). Last evaluated 2023-10-30.

Conditions:
Glycogen storage disease due to muscle and heart glycogen synthase deficiency. Also called: GSD 0b; MUSCLE GLYCOGEN SYNTHASE DEFICIENCY. Identifiers: Orphanet 137625, MedGen C1969054, MONDO:0012693, OMIM 611556.

Allele frequency attached by ClinVar (database versions not stated): ESP Exome Variant Server 0.00015; TOPMed 0.00015; ExAC 0.00016; gnomAD exomes 0.00016 and 0.00017; gnomAD 0.00035.
gnomAD v4.1: 254 of 1,614,048 alleles (0.016%); highest among the groups gnomAD compares: Non-Finnish European, 0.02%; no homozygotes.

Submissions (2):

GeneDx
Classification: Uncertain significance. Last evaluated: 2023-10-30. Review status: criteria provided, single submitter. Criteria: GeneDx Variant Classification Process June 2021. Collection method: clinical testing. Allele origin: germline. Affected: yes.
Comment: Identified in an association study as heterozygous in a patient with non-insulin dependent diabetes mellitus in the literature, but no second variant was reported (PMID: 9389424); In silico analysis supports that this missense variant does not alter protein structure/function; This variant is associated with the following publications: (PMID: 9389424)

Labcorp Genetics (formerly Invitae), Labcorp
Classification: Uncertain significance for Glycogen storage disease due to muscle and heart glycogen synthase deficiency. Last evaluated: 2022-10-17. Review status: criteria provided, single submitter. Criteria: Invitae Variant Classification Sherloc (09022015). Collection method: clinical testing. Allele origin: germline.
Comment: This sequence change replaces glutamine, which is neutral and polar, with histidine, which is basic and polar, at codon 71 of the GYS1 protein (p.Gln71His). This variant is present in population databases (rs200998100, gnomAD 0.04%). This missense change has been observed in individual(s) with non-insulin-dependent diabetes mellitus (PMID: 9389424). ClinVar contains an entry for this variant (Variation ID: 642436). Algorithms developed to predict the effect of missense changes on protein structure and function output the following: SIFT: "Tolerated"; PolyPhen-2: "Benign"; Align-GVGD: "Class C0". The histidine amino acid residue is found in multiple mammalian species, which suggests that this missense change does not adversely affect protein function. In summary, the available evidence is currently insufficient to determine the role of this variant in disease. Therefore, it has been classified as a Variant of Uncertain Significance.

Literature cited by the submitters: PubMed 9389424 (cited by Labcorp Genetics (formerly Invitae), Labcorp).